The following is an entry in ClinVar:

NM_014000.3(VCL):c.2489A>G (p.Lys830Arg)

Gene: VCL (vinculin; plus strand). Cytogenetic location: 10q22.2.
Variant type: single nucleotide variant.
Coding change: c.2489A>G on transcript NM_014000.3 (MANE Select); coding-DNA position 2489, A replaced by G.
Protein change: p.Lys830Arg; replaces lysine 830 with arginine.
Molecular consequence: missense variant.
Genome position (GRCh38, 1-based): chr10:74,107,284, A>G. VCF-style: chr10-74107284-A-G. GRCh37 (hg19) VCF-style: chr10-75867042-A-G.
Other names: c.2489A>G, p.Lys830Arg (NM_003373.4); c.2489A>G (NM_014000.2); short protein forms K830R.
Identifiers: ClinVar variation 1416751 (VCV001416751.7), dbSNP rs2131931381, ClinGen allele CA377263655.

ClinVar aggregate classification (germline): Uncertain significance. Review status: criteria provided, multiple submitters, no conflicts (2 of 4 stars). 2 submissions from 2 submitters: Uncertain significance (2). Last evaluated 2023-11-22.

Conditions:
Dilated cardiomyopathy 1W (CMD1W). Identifiers: Orphanet 154, MedGen C1969639, MONDO:0012667, OMIM 611407.

Submissions (2):

GeneDx
Classification: Uncertain significance. Last evaluated: 2023-11-22. Review status: criteria provided, single submitter. Criteria: GeneDx Variant Classification Process June 2021. Collection method: clinical testing. Allele origin: germline. Affected: yes.
Comment: Has not been previously published as pathogenic or benign to our knowledge; Not observed at significant frequency in large population cohorts (gnomAD); In silico analysis supports that this missense variant does not alter protein structure/function

Labcorp Genetics (formerly Invitae), Labcorp
Classification: Uncertain significance for Dilated cardiomyopathy 1W. Last evaluated: 2021-05-01. Review status: criteria provided, single submitter. Criteria: Invitae Variant Classification Sherloc (09022015). Collection method: clinical testing. Allele origin: germline.
Comment: In summary, the available evidence is currently insufficient to determine the role of this variant in disease. Therefore, it has been classified as a Variant of Uncertain Significance. Algorithms developed to predict the effect of missense changes on protein structure and function are either unavailable or do not agree on the potential impact of this missense change (SIFT: "Not Available"; PolyPhen-2: "Benign"; Align-GVGD: "Not Available"). This variant has not been reported in the literature in individuals with VCL-related conditions. This variant is not present in population databases (ExAC no frequency). This sequence change replaces lysine with arginine at codon 830 of the VCL protein (p.Lys830Arg). The lysine residue is highly conserved and there is a small physicochemical difference between lysine and arginine.